The following is an entry in ClinVar:

NM_001386393.1(PANK2):c.-3A>C

Genes: PANK2 (pantothenate kinase 2; plus strand), LOC130065345 (ATAC-STARR-seq lymphoblastoid silent region 12635; plus strand). Cytogenetic location: 20p13.
Variant type: single nucleotide variant.
Coding change: c.-3A>C on transcript NM_001386393.1 (MANE Select); 3 bases upstream of the start codon, A replaced by C.
Molecular consequence: 5 prime UTR variant. On other transcripts: missense variant (2), non-coding transcript variant (1), intron variant (1).
Genome position (GRCh38, 1-based): chr20:3,889,428, A>C. VCF-style: chr20-3889428-A-C. GRCh37 (hg19) VCF-style: chr20-3870075-A-C.
Other names: c.-714A>C (NM_001324191.2); c.328A>C, p.Thr110Pro (NM_001324192.1, NM_153638.4); c.-246+524A>C (NM_024960.6); short protein forms T110P.
Identifiers: ClinVar variation 2001081 (VCV002001081.4), dbSNP rs1417920224, ClinGen allele CA408140592.

ClinVar aggregate classification (germline): Uncertain significance (1 of 4 stars; one submission).

Conditions:
Pigmentary pallidal degeneration (NBIA1). Also called: Neurodegeneration with brain iron accumulation 1; Pantothenate Kinase-Associated Neurodegeneration; Neuroaxonal dystrophy, late infantile; Hallervorden-Spatz disease; HARP SYNDROME; PKAN NEUROAXONAL DYSTROPHY, JUVENILE-ONSET. Identifiers: Orphanet 157850, MedGen C0018523, MONDO:0009319, OMIM 234200.

Submission:

Labcorp Genetics (formerly Invitae), Labcorp
Classification: Uncertain significance for Pigmentary pallidal degeneration. Last evaluated: 2022-06-26. Review status: criteria provided, single submitter. Criteria: Invitae Variant Classification Sherloc (09022015). Collection method: clinical testing. Allele origin: germline.
Comment: This variant has not been reported in the literature in individuals affected with PANK2-related conditions. In summary, the available evidence is currently insufficient to determine the role of this variant in disease. Therefore, it has been classified as a Variant of Uncertain Significance. Algorithms developed to predict the effect of missense changes on protein structure and function (SIFT, PolyPhen-2, Align-GVGD) all suggest that this variant is likely to be tolerated. This variant is not present in population databases (gnomAD no frequency). This sequence change replaces threonine, which is neutral and polar, with proline, which is neutral and non-polar, at codon 110 of the PANK2 protein (p.Thr110Pro).